The following is an entry in ClinVar:

ClinVar aggregate classification (germline): Uncertain significance (1 of 4 stars; one submission).

Submission:

Labcorp Genetics (formerly Invitae), Labcorp
Classification: Uncertain significance. Last evaluated: 2021-07-12. Review status: criteria provided, single submitter. Criteria: Invitae Variant Classification Sherloc (09022015). Collection method: clinical testing. Allele origin: germline.
Comment: This sequence change replaces proline with leucine at codon 973 of the RIMS1 protein (p.Pro973Leu). The proline residue is highly conserved and there is a moderate physicochemical difference between proline and leucine. This variant is not present in population databases (ExAC no frequency). This variant has not been reported in the literature in individuals affected with RIMS1-related conditions. Algorithms developed to predict the effect of missense changes on protein structure and function (SIFT, PolyPhen-2, Align-GVGD) all suggest that this variant is likely to be disruptive. In summary, the available evidence is currently insufficient to determine the role of this variant in disease. Therefore, it has been classified as a Variant of Uncertain Significance.

NM_014989.7(RIMS1):c.2918C>T (p.Pro973Leu)

Gene: RIMS1 (regulating synaptic membrane exocytosis 1; plus strand). Cytogenetic location: 6q13.
Variant type: single nucleotide variant.
Coding change: c.2918C>T on transcript NM_014989.7 (MANE Select); coding-DNA position 2918, C replaced by T.
Protein change: p.Pro973Leu; replaces proline 973 with leucine.
Molecular consequence: missense variant.
Genome position (GRCh38, 1-based): chr6:72,258,272, C>T. VCF-style: chr6-72258272-C-T. GRCh37 (hg19) VCF-style: chr6-72967975-C-T.
Other names: c.1337C>T, p.Pro446Leu (NM_001168407.2, NM_001350415.2, NM_001350418.2 and 19 more transcripts); c.1340C>T, p.Pro447Leu (NM_001168408.2, NM_001350414.2, NM_001350416.2 and 15 more transcripts); c.1097C>T, p.Pro366Leu (NM_001168409.2, NM_001350464.2, NM_001350465.2 and 3 more transcripts); c.1295C>T, p.Pro432Leu (NM_001168410.2, NM_001350470.2, NM_001350473.2 and 1 more transcripts); c.1268C>T, p.Pro423Leu (NM_001350421.2, NM_001350471.2, NM_001350430.2 and 2 more transcripts); c.1271C>T, p.Pro424Leu (NM_001350424.2, NM_001350459.2, NM_001350462.2 and 1 more transcripts); c.1094C>T, p.Pro365Leu (NM_001350461.2, NM_001350463.2, NM_001350468.2); c.1292C>T, p.Pro431Leu (NM_001350472.2); short protein forms P365L, P423L, P424L, P431L, P432L, P446L, P366L, P447L.
Identifiers: ClinVar variation 1366926 (VCV001366926.8), dbSNP rs2154153916, ClinGen allele CA364682005.